The following is an entry in ClinVar:

ClinVar aggregate classification (germline): Uncertain significance (1 of 4 stars; one submission).

Submission:

GeneDx
Classification: Uncertain significance. Last evaluated: 2024-06-24. Review status: criteria provided, single submitter. Criteria: GeneDx Variant Classification Process June 2021. Collection method: clinical testing. Allele origin: germline. Affected: yes.
Comment: Not observed at significant frequency in large population cohorts (gnomAD); In silico analysis indicates that this missense variant does not alter protein structure/function; Has not been previously published as pathogenic or benign to our knowledge

NM_001080397.3(SLC45A1):c.89G>A (p.Gly30Asp)

Gene: SLC45A1 (solute carrier family 45 member 1; plus strand). Cytogenetic location: 1p36.23.
Variant type: single nucleotide variant.
Coding change: c.89G>A on transcript NM_001080397.3 (MANE Select); coding-DNA position 89, G replaced by A.
Protein change: p.Gly30Asp; replaces glycine 30 with aspartic acid.
Molecular consequence: missense variant. On other transcripts: intron variant (2).
Genome position (GRCh38, 1-based): chr1:8,324,418, G>A. VCF-style: chr1-8324418-G-A. GRCh37 (hg19) VCF-style: chr1-8384478-G-A.
Other names: c.89G>A, p.Gly30Asp (NM_001379614.1, NM_001379615.1, NM_001379616.1); c.-116-1400G>A (NM_001379617.1, NM_001379618.1); short protein forms G30D.
Identifiers: ClinVar variation 3392706 (VCV003392706.1).